The following is an entry in ClinVar:

NM_001009944.3(PKD1):c.8207C>T (p.Pro2736Leu)

Gene: PKD1 (polycystin 1, transient receptor potential channel interacting; minus strand). Cytogenetic location: 16p13.3.
Variant type: single nucleotide variant.
Coding change: c.8207C>T on transcript NM_001009944.3 (MANE Select); coding-DNA position 8207, C replaced by T.
Protein change: p.Pro2736Leu; replaces proline 2736 with leucine.
Molecular consequence: missense variant.
Genome position (GRCh38, 1-based): chr16:2,103,850, G>A on the plus strand (C>T on the coding strand, the complement: PKD1 is on the minus strand). VCF-style: chr16-2103850-G-A. GRCh37 (hg19) VCF-style: chr16-2153851-G-A.
Other names: c.8207C>T, p.Pro2736Leu (NM_000296.4); short protein forms P2736L.
Identifiers: ClinVar variation 1194425 (VCV001194425.8), dbSNP rs760592410, ClinGen allele CA7830612.

ClinVar aggregate classification (germline): Uncertain significance. Review status: criteria provided, multiple submitters, no conflicts (2 of 4 stars). 4 submissions from 4 submitters: Uncertain significance (4). Last evaluated 2026-02-23.

Conditions:
Polycystic kidney disease, adult type (PKD1). Also called: Polycystic Kidney Disease 1, Autosomal Dominant; Polycystic kidney disease 1; Polycystic kidney disease 1, severe; Polycystic Kidney, Autosomal Dominant; POLYCYSTIC KIDNEY DISEASE 1 WITH OR WITHOUT POLYCYSTIC LIVER DISEASE; POLYCYSTIC KIDNEY DISEASE, ADULT, TYPE I. Identifiers: MedGen C3149841, MONDO:0008263, OMIM 173900.
PKD1-related disorder. Also called: PKD1-related condition.

Allele frequency attached by ClinVar (database versions not stated): gnomAD 0.00001.
gnomAD v4.1: 14 of 1,606,430 alleles (0.00087%); highest among the groups gnomAD compares: Admixed American, 0.013%; no homozygotes.

Submissions (4):

Women's Health and Genetics/Laboratory Corporation of America, LabCorp
Classification: Uncertain significance. Last evaluated: 2026-02-23. Review status: criteria provided, single submitter. Criteria: LabCorp Variant Classification Summary - May 2015. Collection method: clinical testing. Allele origin: germline.
Comment: Variant summary: PKD1 c.8207C>T (p.Pro2736Leu) results in a non-conservative amino acid change in the encoded protein sequence. Algorithms developed to predict the effect of missense changes on protein structure and function are either unavailable or do not agree on the potential impact of this missense change. The variant allele was found at a frequency of 3.3e-05 in 244696 control chromosomes. The available data on variant occurrences in the general population are insufficient to allow any conclusion about variant significance. To our knowledge, no occurrence of c.8207C>T in individuals affected with PKD1-related conditions and no experimental evidence demonstrating its impact on protein function have been reported. ClinVar contains an entry for this variant (Variation ID: 1194425). Based on the evidence outlined above, the variant was classified as uncertain significance.

PreventionGenetics, part of Exact Sciences
Classification: Uncertain significance for PKD1-related condition. Last evaluated: 2025-12-04. Review status: criteria provided, single submitter. Criteria: ACMG Guidelines, 2015. Collection method: clinical testing. Allele origin: germline.
Comment: The PKD1 c.8207C>T variant is predicted to result in the amino acid substitution p.Pro2736Leu. To our knowledge, this variant has not been reported in the literature. This variant is reported in 0.017% of alleles in individuals of Latino descent in gnomAD. An alternate missense change at this amino acid position, p.Pro2736Arg, has been reported in an individual with autosomal dominant polycystic kidney disease (Supplemental Table 3, Cornec-Le Gall et al. 2016. PubMed ID: 26150605). At this time, the clinical significance of the c.8207C>T (p.Pro2736Leu) variant is uncertain due to the absence of conclusive functional and genetic evidence.

Fulgent Genetics
Classification: Uncertain significance for Polycystic kidney disease, adult type. Last evaluated: 2024-06-13. Review status: criteria provided, single submitter. Criteria: ACMG Guidelines, 2015. Collection method: clinical testing. Allele origin: germline.

GeneDx
Classification: Uncertain significance. Last evaluated: 2023-12-14. Review status: criteria provided, single submitter. Criteria: GeneDx Variant Classification Process June 2021. Collection method: clinical testing. Allele origin: germline. Affected: yes.
Comment: In silico analysis supports that this missense variant has a deleterious effect on protein structure/function; Has not been previously published as pathogenic or benign to our knowledge